The following is an entry in ClinVar:

ClinVar aggregate classification (germline): Uncertain significance. Review status: criteria provided, multiple submitters, no conflicts (2 of 4 stars). 3 submissions from 3 submitters: Uncertain significance (3). Last evaluated 2023-11-27.

Allele frequency attached by ClinVar (database versions not stated): ExAC 0.00001; TOPMed 0.00001.
gnomAD v4.1: 25 of 1,614,064 alleles (0.0015%); highest among the groups gnomAD compares: East Asian, 0.013%; no homozygotes.

Submissions (3):

Labcorp Genetics (formerly Invitae), Labcorp
Classification: Uncertain significance. Last evaluated: 2023-11-27. Review status: criteria provided, single submitter. Criteria: Invitae Variant Classification Sherloc (09022015). Collection method: clinical testing. Allele origin: germline.
Comment: This sequence change replaces valine, which is neutral and non-polar, with methionine, which is neutral and non-polar, at codon 905 of the TRPM1 protein (p.Val905Met). This variant is present in population databases (rs776205185, gnomAD 0.003%). This variant has not been reported in the literature in individuals affected with TRPM1-related conditions. ClinVar contains an entry for this variant (Variation ID: 870994). Advanced modeling of protein sequence and biophysical properties (such as structural, functional, and spatial information, amino acid conservation, physicochemical variation, residue mobility, and thermodynamic stability) performed at Invitae indicates that this missense variant is not expected to disrupt TRPM1 protein function with a negative predictive value of 95%. In summary, the available evidence is currently insufficient to determine the role of this variant in disease. Therefore, it has been classified as a Variant of Uncertain Significance.

Blueprint Genetics
Classification: Uncertain significance. Last evaluated: 2022-07-07. Review status: criteria provided, single submitter. Criteria: ACMG Guidelines, 2015. Collection method: clinical testing. Allele origin: germline.

CeGaT Center for Human Genetics Tuebingen
Classification: Uncertain significance. Last evaluated: 2019-07-01. Review status: criteria provided, single submitter. Criteria: CeGaT Center For Human Genetics Tuebingen Variant Classification Criteria Version 2. Collection method: clinical testing. Allele origin: germline. Affected: yes. Observed: 1 variant allele.

NM_001252024.2(TRPM1):c.2779G>A (p.Val927Met)

Genes: TRPM1 (transient receptor potential cation channel subfamily M member 1; minus strand), TRPM1-AS1 (TRPM1 antisense RNA 1; plus strand). Cytogenetic location: 15q13.3.
Variant type: single nucleotide variant.
Coding change: c.2779G>A on transcript NM_001252024.2 (MANE Select); coding-DNA position 2779, G replaced by A.
Protein change: p.Val927Met; replaces valine 927 with methionine.
Molecular consequence: missense variant.
Genome position (GRCh38, 1-based): chr15:31,032,862, C>T on the plus strand (G>A on the coding strand, the complement: TRPM1 is on the minus strand). VCF-style: chr15-31032862-C-T. GRCh37 (hg19) VCF-style: chr15-31325065-C-T.
Other names: c.2830G>A, p.Val944Met (NM_001252020.2); c.2713G>A, p.Val905Met (NM_002420.6); short protein forms V927M, V905M, V944M.
Identifiers: ClinVar variation 870994 (VCV000870994.47), dbSNP rs776205185, ClinGen allele CA7452070.